The following is an entry in ClinVar:

ClinVar aggregate classification (germline): Pathogenic. Review status: criteria provided, multiple submitters, no conflicts (2 of 4 stars). 2 submissions from 2 submitters: Pathogenic (2). Last evaluated 2025-12-02.

Conditions:
Pontocerebellar hypoplasia type 2D (PCH2D). Also called: Progressive cerebello-cerebral atrophy. Identifiers: Orphanet 247198, Orphanet 2524, MedGen C3151140, MONDO:0013438, OMIM 613811.

Submissions (2):

Myriad Genetics, Inc.
Classification: Pathogenic for Pontocerebellar hypoplasia type 2D. Last evaluated: 2025-12-02. Review status: criteria provided, single submitter. Criteria: Myriad Autosomal Dominant, Autosomal Recessive and X-Linked Classification Criteria (2023). Collection method: clinical testing. Allele origin: unknown.
Comment: NM_016955.3(SEPSECS):c.908_911delTTCA(I303Rfs*17) is a frameshift variant classified as pathogenic in the context of pontocerebellar hypoplasia, SEPSECS-related. I303Rfs*17 has not been observed in cases with relevant disease. Relevant functional assessments of this variant are not available in the literature. I303Rfs*17 has not been observed in referenced population frequency databases. In summary, NM_016955.3(SEPSECS):c.908_911delTTCA(I303Rfs*17) is a frameshift variant in a gene where loss of function is a known mechanism of disease and is predicted to disrupt protein function. Please note: this variant was assessed in the context of healthy population screening.

Labcorp Genetics (formerly Invitae), Labcorp
Classification: Pathogenic. Last evaluated: 2020-11-23. Review status: criteria provided, single submitter. Criteria: Invitae Variant Classification Sherloc (09022015). Collection method: clinical testing. Allele origin: germline.
Comment: For these reasons, this variant has been classified as Pathogenic. This sequence change creates a premature translational stop signal (p.Ile303Argfs*17) in the SEPSECS gene. It is expected to result in an absent or disrupted protein product. Loss-of-function variants in SEPSECS are known to be pathogenic (PMID: 25558065, 25590979, 26115735). This variant is not present in population databases (ExAC no frequency). This variant has not been reported in the literature in individuals with SEPSECS-related conditions.

Literature cited by the submitters: PubMed 25558065 (cited by Labcorp Genetics (formerly Invitae), Labcorp); PubMed 25590979 (cited by Labcorp Genetics (formerly Invitae), Labcorp); PubMed 26115735 (cited by Labcorp Genetics (formerly Invitae), Labcorp).

NM_016955.4(SEPSECS):c.908_911del (p.Ile303fs)

Gene: SEPSECS (Sep (O-phosphoserine) tRNA:Sec (selenocysteine) tRNA synthase; minus strand). Cytogenetic location: 4p15.2.
Variant type: Microsatellite.
Coding change: c.908_911del on transcript NM_016955.4 (MANE Select); coding-DNA positions 908 to 911, 4 bases deleted (TTCA; older notation c.908_911delTTCA).
Protein change: p.Ile303fs; shifts the reading frame from isoleucine 303.
Molecular consequence: frameshift variant.
Genome position (GRCh38, 1-based): chr4:25,145,027-25,145,030, TGAA deleted on the plus strand (TTCA on the coding strand, the reverse complement: SEPSECS is on the minus strand); deleting any 4 consecutive bases within chr4:25,145,027-25,145,039 gives the same sequence; the c. name uses the placement nearest the transcript's 3' end. VCF-style (leftmost placement, unchanged base first): chr4-25145026-CTGAA-C. GRCh37 (hg19) VCF-style: chr4-25146648-CTGAA-C.
Other names: short protein forms I303fs.
Identifiers: ClinVar variation 1429767 (VCV001429767.7), dbSNP rs2109022156, ClinGen allele CA2578058299.
Genomic context (GRCh38, chr4:25,145,026, plus strand): 5'-GTTAGCTACTTTTTCTGAAAAGCAACTTATTTATTTACCTGGATACATCTTGCTGATTTC[CTGAA>C]TGAATGAATCATTAAAGCCAGCAATTATAGCACCACCTACTGGAACCATAAAATTTTTGT-3'